The following is an entry in ClinVar:

ClinVar aggregate classification (germline): Conflicting classifications of pathogenicity. Review status: criteria provided, conflicting classifications (1 of 4 stars). 13 submissions from 13 submitters: Likely pathogenic (1); Uncertain significance (7); Benign (1); Likely benign (2). 2 of the submissions do not count toward it. Last evaluated 2026-02-26.

Conditions:
CYP4V2-related disorder. Also called: CYP4V2-related disorders; CYP4V2-related condition.
Retinal dystrophy. Also called: Inherited retinal dystrophy. Identifiers: Orphanet 71862, MedGen C0854723, MeSH D058499, MONDO:0019118, HP:0000556.
Bietti crystalline corneoretinal dystrophy (BCD). Also called: Bietti Crystalline Dystrophy; BIETTI TAPETORETINAL DEGENERATION WITH MARGINAL CORNEAL DYSTROPHY. Identifiers: Orphanet 41751, MedGen C1859486, MONDO:0008865, OMIM 210370.
Corneal dystrophy. Identifiers: Orphanet 34533, MedGen C0010036, MONDO:0018102, HP:0001131.

Allele frequency attached by ClinVar (database versions not stated): gnomAD 0.00021 and 0.00027; TOPMed 0.00048; ExAC 0.00070; gnomAD exomes 0.00079; 1000 Genomes Project 30x 0.00094; 1000 Genomes Project 0.00120.

Submissions (13):

PreventionGenetics, part of Exact Sciences
Classification: Uncertain significance for CYP4V2-related condition. Last evaluated: 2026-02-26. Review status: criteria provided, single submitter. Criteria: ACMG Guidelines, 2015. Collection method: clinical testing. Allele origin: germline.
Comment: The CYP4V2 c.367A>G variant is predicted to result in the amino acid substitution p.Met123Val. These variants have been reported in 0.35% and 0.85% of alleles in individuals of East Asian descent in gnomAD, which is higher than expected for a fully penetrant pathogenic CYP4V2 variant. Additionally, in all four cases in which we have observed the more rare c.237G>T variant in patients undergoing testing for a variety of disorders at PreventionGenetics, we have also detected the more common c.367A>G variant, both in the heterozygous state with unknown phase. We suspect that these variants may reside on the same allele (cis phase) in at least some of the previously reported patients, making their role in causing disease in this gene associated with an autosomal recessive disorder uncertain. Therefore, while we suspect the more common c.367A>G variant may be benign, at this time the clinical significance of both variants is uncertain due to the absence of conclusive functional and genetic evidence.

Labcorp Genetics (formerly Invitae), Labcorp
Classification: Benign. Last evaluated: 2026-01-01. Review status: criteria provided, single submitter. Criteria: Invitae Variant Classification Sherloc (09022015). Collection method: clinical testing. Allele origin: germline.

Women's Health and Genetics/Laboratory Corporation of America, LabCorp
Classification: Likely benign. Last evaluated: 2025-12-01. Review status: criteria provided, single submitter. Criteria: LabCorp Variant Classification Summary - May 2015. Collection method: clinical testing. Allele origin: germline.
Comment: Variant summary: CYP4V2 c.367A>G (p.Met123Val) results in a conservative amino acid change in the encoded protein sequence. Algorithms developed to predict the effect of missense changes on protein structure and function are either unavailable or do not agree on the potential impact of this missense change. The variant allele was found at a frequency of 0.00079 in 251406 control chromosomes, predominantly at a frequency of 0.0088 within the East Asian subpopulation in the gnomAD database. The observed variant frequency within East Asian control individuals in the gnomAD database exceeds the estimated maximal expected allele frequency for disease-causing variants in CYP4V2. c.367A>G has been observed in individuals affected with clinical features of Bietti Crystalline Corneoretinal Dystrophy (Li_2004, Chen_2019). These reports do not provide unequivocal conclusions about association of the variant with Bietti Crystalline Corneoretinal Dystrophy. To our knowledge, no experimental evidence demonstrating an impact on protein function has been reported. The following publications have been ascertained in the context of this evaluation (PMID: 31872526, 15042513). ClinVar contains an entry for this variant (Variation ID: 39264). Based on the evidence outlined above, the variant was classified as likely benign.

GeneDx
Classification: Uncertain significance. Last evaluated: 2025-07-31. Review status: criteria provided, single submitter. Criteria: GeneDx Variant Classification Process June 2021. Collection method: clinical testing. Allele origin: germline. Affected: yes.
Comment: In silico analysis suggests that this missense variant does not alter protein structure/function; This variant is associated with the following publications: (PMID: 34426522, 31440027, 28453600, 33090715, 33816482, 33608557, 15042513, 31872526, 34923510, 28222800)

Blueprint Genetics
Classification: Likely benign. Last evaluated: 2024-11-08. Review status: criteria provided, single submitter. Criteria: ACMG Guidelines, 2015. Collection method: clinical testing. Allele origin: germline.

Dept Of Ophthalmology, Nagoya University
Classification: Likely pathogenic for Retinal dystrophy. Last evaluated: 2023-10-01. Review status: criteria provided, single submitter. Criteria: Submitter's publication. Collection method: research. Allele origin: germline. Affected: yes.

3billion
Classification: Uncertain significance for Bietti crystalline corneoretinal dystrophy. Last evaluated: 2022-09-01. Review status: criteria provided, single submitter. Criteria: ACMG Guidelines, 2015. Collection method: clinical testing. Allele origin: germline. Affected: yes. Observed: 1 heterozygote.
Comment: The variant is observed at an extremely low frequency in the gnomAD v2.1.1 dataset (total allele frequency: 0.074%). Same nucleotide change resulting in same amino acid change has been previously reported to be associated with CYP4V2-related disorder (PMID: 15042513). However, the evidence of pathogenicity is insufficient at this time. Therefore, this variant is classified as uncertain significance according to the recommendation of ACMG/AMP guideline.

CeGaT Center for Human Genetics Tuebingen
Classification: Uncertain significance. Last evaluated: 2019-08-01. Review status: criteria provided, single submitter. Criteria: CeGaT Center For Human Genetics Tuebingen Variant Classification Criteria Version 2. Collection method: clinical testing. Allele origin: germline. Affected: yes. Observed: 1 variant allele.

Illumina Laboratory Services, Illumina
Classification: Uncertain significance for Corneal dystrophy. Last evaluated: 2017-04-27. Review status: criteria provided, single submitter. Criteria: ICSL Variant Classification Criteria 13 December 2019. Collection method: clinical testing. Allele origin: germline.

Institute of Human Genetics, Univ. Regensburg, Univ. Regensburg
Classification: Uncertain significance for Retinal dystrophy. Last evaluated: 2017-01-01. Review status: criteria provided, single submitter. Criteria: ACMG Guidelines, 2015. Collection method: clinical testing. Allele origin: germline. Affected: yes.

Soonchunhyang University Bucheon Hospital, Soonchunhyang University Medical Center
Classification: Uncertain significance for Bietti crystalline corneoretinal dystrophy. Last evaluated: 2016-03-18. Review status: criteria provided, single submitter. Criteria: ACMG Guidelines, 2015. Collection method: reference population. Allele origin: germline. Observed: 1 variant allele.

GeneReviews
Classification: Pathogenic for Bietti Crystalline Dystrophy. Last evaluated: 2012-04-12. Review status: no assertion criteria provided. Collection method: curation. Allele origin: unknown. Not counted in ClinVar's aggregate classification.
ClinVar note: Converted during submission from pathologic to Pathogenic.

Department of Ophthalmology and Visual Sciences Kyoto University
Classification: Likely benign. Review status: no assertion criteria provided. Collection method: not provided. Allele origin: unknown. Not counted in ClinVar's aggregate classification.
ClinVar note: Converted during submission from probable-non-pathogenic to Likely benign.

Literature cited by the submitters: PubMed 31872526 (cited by Women's Health and Genetics/Laboratory Corporation of America, LabCorp and Institute of Human Genetics, Univ. Regensburg, Univ. Regensburg); PubMed 15042513 (cited by 4 submitters); PubMed 28453600 (cited by Institute of Human Genetics, Univ. Regensburg, Univ. Regensburg); PubMed 33090715 (cited by Institute of Human Genetics, Univ. Regensburg, Univ. Regensburg); PubMed 34923510 (cited by Institute of Human Genetics, Univ. Regensburg, Univ. Regensburg); PubMed 34426522 (cited by Institute of Human Genetics, Univ. Regensburg, Univ. Regensburg); PubMed 33816482 (cited by Institute of Human Genetics, Univ. Regensburg, Univ. Regensburg).

NM_207352.4(CYP4V2):c.367A>G (p.Met123Val)

Gene: CYP4V2 (cytochrome P450 family 4 subfamily V member 2; plus strand). Cytogenetic location: 4q35.1.
Variant type: single nucleotide variant.
Coding change: c.367A>G on transcript NM_207352.4 (MANE Select); coding-DNA position 367, A replaced by G.
Protein change: p.Met123Val; replaces methionine 123 with valine.
Molecular consequence: missense variant.
Genome position (GRCh38, 1-based): chr4:186,196,042, A>G. VCF-style: chr4-186196042-A-G. GRCh37 (hg19) VCF-style: chr4-187117196-A-G.
Other names: c.671A>G; short protein forms M123V.
Identifiers: ClinVar variation 39264 (VCV000039264.63), dbSNP rs149684063, ClinGen allele CA232864.